The following is an entry in ClinVar:

NM_001009944.3(PKD1):c.8129C>A (p.Thr2710Asn)

Gene: PKD1 (polycystin 1, transient receptor potential channel interacting; minus strand). Cytogenetic location: 16p13.3.
Variant type: single nucleotide variant.
Coding change: c.8129C>A on transcript NM_001009944.3 (MANE Select); coding-DNA position 8129, C replaced by A.
Protein change: p.Thr2710Asn; replaces threonine 2710 with asparagine.
Molecular consequence: missense variant.
Genome position (GRCh38, 1-based): chr16:2,104,530, G>T on the plus strand (C>A on the coding strand, the complement: PKD1 is on the minus strand). VCF-style: chr16-2104530-G-T. GRCh37 (hg19) VCF-style: chr16-2154531-G-T.
Other names: c.8129C>A, p.Thr2710Asn (NM_000296.4); short protein forms T2710N.
Identifiers: ClinVar variation 433987 (VCV000433987.23), dbSNP rs199700485, ClinGen allele CA7830713.

ClinVar aggregate classification (germline): Conflicting classifications of pathogenicity. Review status: criteria provided, conflicting classifications (1 of 4 stars). 7 submissions from 7 submitters: Uncertain significance (2); Likely benign (3). 2 of the submissions do not count toward it. Last evaluated 2026-02-04.

Conditions:
Polycystic kidney disease. Also called: Kidney, Polycystic; Polycystic kidney dysplasia. Identifiers: MedGen C0022680, MeSH D007690, MONDO:0020642, HP:0000113.
Polycystic kidney disease, adult type (PKD1). Also called: POLYCYSTIC KIDNEY DISEASE, ADULT, TYPE I; Polycystic Kidney, Autosomal Dominant; POLYCYSTIC KIDNEY DISEASE 1 WITH OR WITHOUT POLYCYSTIC LIVER DISEASE; Polycystic Kidney Disease 1, Autosomal Dominant; Polycystic kidney disease 1; Polycystic kidney disease 1, severe. Identifiers: MedGen C3149841, MONDO:0008263, OMIM 173900.
PKD1-related disorder. Also called: PKD1-related condition.

Allele frequency attached by ClinVar (database versions not stated): gnomAD exomes 0.00032; TOPMed 0.00044; gnomAD 0.00048 and 0.00049; ExAC 0.00058.
gnomAD v4.1: 868 of 1,567,470 alleles (0.055%); highest among the groups gnomAD compares: Non-Finnish European, 0.069%; 1 homozygote.

Submissions (7):

Women's Health and Genetics/Laboratory Corporation of America, LabCorp
Classification: Uncertain significance. Last evaluated: 2026-02-04. Review status: criteria provided, single submitter. Criteria: LabCorp Variant Classification Summary - May 2015. Collection method: clinical testing. Allele origin: germline.
Comment: Variant summary: PKD1 c.8129C>A (p.Thr2710Asn) results in a non-conservative amino acid change in the encoded protein sequence. Algorithms developed to predict the effect of missense changes on protein structure and function are either unavailable or do not agree on the potential impact of this missense change. The variant allele was found at a frequency of 0.00032 in 152168 control chromosomes (gnomAD). This frequency is not significantly higher than estimated for disease-causing variants in PKD1, allowing no conclusion about variant significance. c.8129C>A has been observed in a prenatal individual affected with PKD1-Biallelic Autosomal Recessive Polycystic Kidney Disease (Audrzet_2016), found in trans with a pathogenic variant. These report(s) do not provide unequivocal conclusions about association of the variant with PKD1-Biallelic Autosomal Recessive Polycystic Kidney Disease. To our knowledge, no experimental evidence demonstrating an impact on protein function has been reported. The following publications have been ascertained in the context of this evaluation (PMID: 26139440, 33639313). ClinVar contains an entry for this variant (Variation ID: 433987). Based on the evidence outlined above, the variant was classified as uncertain significance.

PreventionGenetics, part of Exact Sciences
Classification: Likely benign for PKD1-related condition. Last evaluated: 2024-12-18. Review status: criteria provided, single submitter. Criteria: ACMG Guidelines, 2015. Collection method: clinical testing. Allele origin: germline.
Comment: This variant is classified as likely benign based on ACMG/AMP sequence variant interpretation guidelines (Richards et al. 2015 PMID: 25741868, with internal and published modifications).

CeGaT Center for Human Genetics Tuebingen
Classification: Likely benign. Last evaluated: 2024-11-01. Review status: criteria provided, single submitter. Criteria: CeGaT Center For Human Genetics Tuebingen Variant Classification Criteria Version 2. Collection method: clinical testing. Allele origin: germline. Affected: yes. Observed: 1 variant allele.
Comment: PKD1: BP4, BS2

Blueprint Genetics
Classification: Likely benign. Last evaluated: 2024-05-03. Review status: criteria provided, single submitter. Criteria: ACMG Guidelines, 2015. Collection method: clinical testing. Allele origin: germline.

GeneDx
Classification: Uncertain significance. Last evaluated: 2022-06-01. Review status: criteria provided, single submitter. Criteria: GeneDx Variant Classification Process June 2021. Collection method: clinical testing. Allele origin: germline. Affected: yes.
Comment: Reported in a family with autosomal dominant polycystic kidney disease in published literature (Nielsen et al., 2021); however, no patient-specific clinical information provided; In silico analysis supports that this missense variant has a deleterious effect on protein structure/function; This variant is associated with the following publications: (PMID: 33639313)

Bioscientia Institut fuer Medizinische Diagnostik GmbH, Sonic Healthcare
Classification: Uncertain significance for Polycystic kidney disease, adult type. Last evaluated: 2019-12-16. Review status: no assertion criteria provided. Collection method: clinical testing. Allele origin: germline. Affected: yes. Not counted in ClinVar's aggregate classification.

Department of Pathology and Laboratory Medicine, Sinai Health System
Classification: Uncertain significance for Polycystic Kidney disease. Review status: no assertion criteria provided. Collection method: clinical testing. Allele origin: unknown. Affected: yes. Study: The Canadian Open Genetics Repository (COGR). Not counted in ClinVar's aggregate classification.
Comment: The PKD1 p.Thr2710Asn variant was not identified in the literature nor was it identified in the NHLBI GO Exome Sequencing Project, Clinvitae, ClinVar, GeneInsight COGR, MutDB, PKD1-LOVD and PKD1-LOVD 3.0 databases. The variant was identified in dbSNP (ID: rs199700485) as â€šÃ„ÃºNAâ€šÃ„Ã¹, Exome Aggregation Consortium database (March 14, 2016) in 10 of 17162 chromosomes (freq. 0.0005827) in the following populations: European (Non-Finnish) in 10 of 6286 chromosomes (freq. 0.001591), but was not seen in African, East Asian, European (Finnish), Latino, South Asian and Other populations, increasing the likelihood that this may be a low frequency benign variant in certain populations of origin. In addition we cannot be certain that data from control databases is specific to PKD1 and not from one of the six PKD1 pseudogenes. The variant was identified in ADPKD Mutation Database (likely pathogenic). The p.Thr2710 residue is conserved in mammals and computational analyses (PolyPhen-2, SIFT, AlignGVGD, BLOSUM, MutationTaster) provide inconsistent predictions regarding the impact to the protein; this information is not very predictive of pathogenicity. The variant occurs outside of the splicing consensus sequence and in silico or computational prediction software programs (SpliceSiteFinder, MaxEntScan, NNSPLICE, GeneSplicer, HumanSpliceFinder) do not predict a difference in splicing. In summary, based on the above information, the clinical significance of this variant cannot be determined with certainty at this time. This variant is classified as a variant of uncertain significance.

Literature cited by the submitters: PubMed 26139440 (cited by Women's Health and Genetics/Laboratory Corporation of America, LabCorp); PubMed 33639313 (cited by Women's Health and Genetics/Laboratory Corporation of America, LabCorp).